The following is an entry in ClinVar:

ClinVar aggregate classification (germline): Likely pathogenic (1 of 4 stars; one submission).

Conditions:
Oocyte/zygote/embryo maturation arrest 20 (OZEMA20). Identifiers: MedGen C5830539, MONDO:0957278, OMIM 620383.

Submission:

First Genomix Gene Laboratory, Genetic Diagnostics Department
Classification: Likely pathogenic for Oocyte/zygote/embryo maturation arrest 20. Last evaluated: 2025-09-08. Review status: criteria provided, single submitter. Criteria: ACMG Guidelines, 2015. Collection method: clinical testing. Allele origin: germline. Inheritance: Autosomal recessive inheritance. Affected: no. Observed: 1 variant allele.

NM_005372.1(MOS):c.545C>A (p.Ser182Ter)

Gene: MOS (MOS proto-oncogene, serine/threonine kinase; minus strand). Cytogenetic location: 8q12.1.
Variant type: single nucleotide variant.
Coding change: c.545C>A on transcript NM_005372.1 (MANE Select); coding-DNA position 545, C replaced by A.
Protein change: p.Ser182Ter; replaces serine 182 with a stop codon.
Molecular consequence: nonsense.
Genome position (GRCh38, 1-based): chr8:56,113,438, G>T on the plus strand (C>A on the coding strand, the complement: MOS is on the minus strand). VCF-style: chr8-56113438-G-T. GRCh37 (hg19) VCF-style: chr8-57025997-G-T.
Other names: short protein forms S182*.
Identifiers: ClinVar variation 4850263 (VCV004850263.1).